The following is an entry in ClinVar:

NM_001111.5(ADAR):c.665A>T (p.Asn222Ile)

Gene: ADAR (adenosine deaminase RNA specific; minus strand). Cytogenetic location: 1q21.3.
Variant type: single nucleotide variant.
Coding change: c.665A>T on transcript NM_001111.5 (MANE Select); coding-DNA position 665, A replaced by T.
Protein change: p.Asn222Ile; replaces asparagine 222 with isoleucine.
Molecular consequence: missense variant. On other transcripts: 5 prime UTR variant (6).
Genome position (GRCh38, 1-based): chr1:154,601,977, T>A on the plus strand (A>T on the coding strand, the complement: ADAR is on the minus strand). VCF-style: chr1-154601977-T-A. GRCh37 (hg19) VCF-style: chr1-154574453-T-A.
Other names: c.665A>T, p.Asn222Ile (LRG_1212t1, NM_015840.4, NM_015841.4); c.-221A>T (NM_001025107.3, NM_001193495.2, NM_001365046.1 and 3 more transcripts); c.692A>T, p.Asn231Ile (NM_001365045.1); short protein forms N222I, N231I.
Identifiers: ClinVar variation 566260 (VCV000566260.8), dbSNP rs1557887942, ClinGen allele CA342600528.

ClinVar aggregate classification (germline): Uncertain significance (1 of 4 stars; one submission).

Conditions:
Aicardi-Goutieres syndrome 6 (AGS6). Identifiers: Orphanet 51, MedGen C3539013, MONDO:0014007, OMIM 615010.
Symmetrical dyschromatosis of extremities (DSH). Also called: RETICULATE ACROPIGMENTATION OF DOHI; SYMMETRIC DYSCHROMATOSIS OF THE EXTREMITIES; DYSCHROMATOSIS SYMMETRICA HEREDITARIA 1; Dyschromatosis symmetrica hereditaria. Identifiers: Orphanet 41, MedGen C0406775, MONDO:0007483, OMIM 127400.

Submission:

Labcorp Genetics (formerly Invitae), Labcorp
Classification: Uncertain significance for Aicardi-Goutieres syndrome 6; Symmetrical dyschromatosis of extremities. Last evaluated: 2024-01-16. Review status: criteria provided, single submitter. Criteria: Invitae Variant Classification Sherloc (09022015). Collection method: clinical testing. Allele origin: germline.
Comment: This sequence change replaces asparagine, which is neutral and polar, with isoleucine, which is neutral and non-polar, at codon 222 of the ADAR protein (p.Asn222Ile). This variant is not present in population databases (gnomAD no frequency). This variant has not been reported in the literature in individuals affected with ADAR-related conditions. ClinVar contains an entry for this variant (Variation ID: 566260). Experimental studies and prediction algorithms are not available or were not evaluated, and the functional significance of this variant is currently unknown. In summary, the available evidence is currently insufficient to determine the role of this variant in disease. Therefore, it has been classified as a Variant of Uncertain Significance.